The following is an entry in ClinVar:

ClinVar aggregate classification (germline): Uncertain significance (1 of 4 stars; one submission).

Conditions:
Emery-Dreifuss muscular dystrophy 4, autosomal dominant (EDMD4). Also called: EMERY-DREIFUSS MUSCULAR DYSTROPHY 4 WITH VARIABLE FEATURES. Identifiers: Orphanet 261, MedGen C2751807, MONDO:0013071, OMIM 612998.
Autosomal recessive ataxia, Beauce type. Also called: SYNE1-Related Autosomal Recessive Cerebellar Ataxia; Spinocerebellar ataxia, autosomal recessive 8; ATAXIA, RECESSIVE, OF BEAUCE; SYNE1 Deficiency. Identifiers: Orphanet 88644, MedGen C1853116, MONDO:0012549, OMIM 610743.

Allele frequency attached by ClinVar (database versions not stated): gnomAD 0.00001; TOPMed 0.00002.
gnomAD v4.1: 1 of 1,614,112 alleles (0.000062%); highest among the groups gnomAD compares: African/African-American, 0.0013%; no homozygotes.

Submission:

Labcorp Genetics (formerly Invitae), Labcorp
Classification: Uncertain significance for Emery-Dreifuss muscular dystrophy 4, autosomal dominant; Autosomal recessive ataxia, Beauce type. Last evaluated: 2021-09-06. Review status: criteria provided, single submitter. Criteria: Invitae Variant Classification Sherloc (09022015). Collection method: clinical testing. Allele origin: germline.
Comment: This sequence change replaces valine with leucine at codon 3604 of the SYNE1 protein (p.Val3604Leu). The valine residue is highly conserved and there is a small physicochemical difference between valine and leucine. In summary, the available evidence is currently insufficient to determine the role of this variant in disease. Therefore, it has been classified as a Variant of Uncertain Significance. Algorithms developed to predict the effect of missense changes on protein structure and function are either unavailable or do not agree on the potential impact of this missense change (SIFT: "Deleterious"; PolyPhen-2: "Benign"; Align-GVGD: "Class C0"). This variant has not been reported in the literature in individuals affected with SYNE1-related conditions. This variant is not present in population databases (ExAC no frequency).

NM_182961.4(SYNE1):c.10789G>T (p.Val3597Leu)

Gene: SYNE1 (spectrin repeat containing nuclear envelope protein 1; minus strand). Cytogenetic location: 6q25.2.
Variant type: single nucleotide variant.
Coding change: c.10789G>T on transcript NM_182961.4 (MANE Select); coding-DNA position 10789, G replaced by T.
Protein change: p.Val3597Leu; replaces valine 3597 with leucine.
Molecular consequence: missense variant.
Genome position (GRCh38, 1-based): chr6:152,354,796, C>A on the plus strand (G>T on the coding strand, the complement: SYNE1 is on the minus strand). VCF-style: chr6-152354796-C-A. GRCh37 (hg19) VCF-style: chr6-152675931-C-A.
Other names: c.10810G>T, p.Val3604Leu (NM_033071.5); short protein forms V3604L, V3597L.
Identifiers: ClinVar variation 1367430 (VCV001367430.6), dbSNP rs1301268425, ClinGen allele CA366125277.